The following is an entry in ClinVar:

NM_001267550.2(TTN):c.36040_36043+4del

Gene: TTN (titin; minus strand). Cytogenetic location: 2q31.2.
Variant type: Deletion.
Coding change: c.36040_36043+4del on transcript NM_001267550.2 (MANE Select); coding-DNA position 36040 through 4 bases into the intron after coding-DNA position 36043, 8 bases deleted (AAAAGTAC; older notation c.36040_36043+4delAAAAGTAC).
Molecular consequence: splice donor variant. On other transcripts: intron variant (5).
Genome position (GRCh38, 1-based): chr2:178,665,373-178,665,380, GTACTTTT deleted on the plus strand (AAAAGTAC on the coding strand, the reverse complement: TTN is on the minus strand). VCF-style (leftmost placement, unchanged base first): chr2-178665372-CGTACTTTT-C. GRCh37 (hg19) VCF-style: chr2-179530099-CGTACTTTT-C.
Other names: c.13283-23063_13283-23056del (NM_003319.4); c.13859-23063_13859-23056del (NM_133437.4); c.13658-23063_13658-23056del (NM_133432.3); c.31484-2325_31484-2318del (NM_133378.4); c.34265-2325_34265-2318del (NM_001256850.1).
Identifiers: ClinVar variation 3762264 (VCV003762264.2).
Genomic context (GRCh38, chr2:178,665,372, plus strand): 5'-AACCATAGTTTTAAGAGCAGAGGACAGATAATTTCTTCTTCCACATTTGTTCAGAGGTAA[CGTACTTTT>C]CATACGTGGAGTTTCTGGCTCTTCAGGTACATCCTCAAATATTTTCATTTCAGGGACAAC-3'

ClinVar aggregate classification (germline): Likely pathogenic (1 of 4 stars; one submission).

Conditions:
Autosomal recessive limb-girdle muscular dystrophy type 2J (LGMDR10). Also called: Limb-girdle muscular dystrophy, type 2J; MUSCULAR DYSTROPHY, LIMB-GIRDLE, AUTOSOMAL RECESSIVE 10. Identifiers: Orphanet 140922, MedGen C1837342, MONDO:0012127, OMIM 608807.
Dilated cardiomyopathy 1G (CMD1G). Identifiers: Orphanet 154, MedGen C1858763, MONDO:0011400, OMIM 604145.

Submission:

Labcorp Genetics (formerly Invitae), Labcorp
Classification: Likely pathogenic for Dilated cardiomyopathy 1G; Autosomal recessive limb-girdle muscular dystrophy type 2J. Last evaluated: 2024-07-22. Review status: criteria provided, single submitter. Criteria: Invitae Variant Classification Sherloc (09022015). Collection method: clinical testing. Allele origin: germline.
Comment: This variant results in the deletion of part of exon 165 (c.36040_36043+4del) of the TTN gene. It is expected to disrupt RNA splicing and likely results in a truncated or disrupted TTN protein. This variant is not present in population databases (gnomAD no frequency). This variant has not been reported in the literature in individuals affected with TTN-related conditions. This variant is located in the I band of TTN (PMID: 25589632). Truncating variants in this region have been reported in individuals affected with autosomal recessive centronuclear myopathy (PMID: 23975875, Invitae internal data). Truncating variants in this region have also been identified in individuals affected with autosomal dominant dilated cardiomyopathy and/or cardio-related conditions (PMID: 27869827, 32964742, Invitae internal data). In summary, the currently available evidence indicates that the variant is pathogenic, but additional data are needed to prove that conclusively. Therefore, this variant has been classified as Likely Pathogenic.

Literature cited by the submitters: PubMed 25589632; PubMed 23975875; PubMed 27869827; PubMed 32964742.